The following is an entry in ClinVar:

NM_000057.4(BLM):c.348G>C (p.Lys116Asn)

Gene: BLM (BLM RecQ like helicase; plus strand). Cytogenetic location: 15q26.1.
Variant type: single nucleotide variant.
Coding change: c.348G>C on transcript NM_000057.4 (MANE Select); coding-DNA position 348, G replaced by C.
Protein change: p.Lys116Asn; replaces lysine 116 with asparagine.
Molecular consequence: missense variant. On other transcripts: 5 prime UTR variant (1).
Genome position (GRCh38, 1-based): chr15:90,749,616, G>C. VCF-style: chr15-90749616-G-C. GRCh37 (hg19) VCF-style: chr15-91292846-G-C.
Other names: c.348G>C (NM_000057.2, NM_000057.3); c.348G>C, p.Lys116Asn (NM_001287246.2, NM_001287247.2); c.-944G>C (NM_001287248.2); short protein forms K116N.
Identifiers: ClinVar variation 1008657 (VCV001008657.14), dbSNP rs749535664, ClinGen allele CA7738280.
Genomic context (GRCh38, chr15:90,749,616, plus strand): 5'-ACAGGAAACACAGAGAGGTGGATCAAAATCATTATTGCCAGATTTCTTGCAGACTCCGAA[G>C]GAAGTTGTATGCACTACCCAAAACACACCAACTGTAAAGAAATCCCGGGATACTGCTCTC-3'
Protein context (NP_000048.1, residues 106-126): SLLPDFLQTP[Lys116Asn]EVVCTTQNTP

ClinVar aggregate classification (germline): Uncertain significance. Review status: criteria provided, multiple submitters, no conflicts (2 of 4 stars). 5 submissions from 5 submitters: Uncertain significance (4). 1 of the submissions does not count toward it. Last evaluated 2025-10-21.

Conditions:
Bloom syndrome (BLM). Also called: Bloom-Torre-Machacek syndrome. Identifiers: Orphanet 125, MedGen C0005859, MONDO:0008876, OMIM 210900.
Hereditary cancer-predisposing syndrome. Also called: Tumor predisposition; Hereditary neoplastic syndrome; Neoplastic Syndromes, Hereditary; Hereditary Cancer Syndrome. Identifiers: Orphanet 140162, MedGen C0027672, MeSH D009386, MONDO:0015356.

Allele frequency attached by ClinVar (database versions not stated): gnomAD exomes below 0.00001; ExAC 0.00001.

Submissions (5):

Quest Diagnostics Nichols Institute San Juan Capistrano
Classification: Uncertain significance. Last evaluated: 2025-10-21. Review status: criteria provided, single submitter. Criteria: Quest Diagnostics criteria. Collection method: clinical testing. Allele origin: unknown.
Comment: The BLM c.348G>C (p.Lys116Asn) variant has not been reported in individuals with BLM-related conditions in the published literature. The frequency of this variant in the general population (Genome Aggregation Database) is uninformative in the assessment of its pathogenicity. Analysis of this variant using bioinformatics tools for the prediction of the effect of amino acid changes on protein structure and function yielded predictions that this variant is benign. Based on the available information, we are unable to determine the clinical significance of this variant.

Ambry Genetics
Classification: Uncertain significance for Hereditary cancer-predisposing syndrome. Last evaluated: 2025-10-16. Review status: criteria provided, single submitter. Criteria: Ambry Variant Classification Scheme 2023. Collection method: clinical testing. Allele origin: germline.
Comment: The p.K116N variant (also known as c.348G>C), located in coding exon 2 of the BLM gene, results from a G to C substitution at nucleotide position 348. The lysine at codon 116 is replaced by asparagine, an amino acid with similar properties. This amino acid position is poorly conserved. In addition, this alteration is predicted to be tolerated by in silico analysis. Since supporting evidence is limited at this time, the clinical significance of this alteration remains unclear.

Labcorp Genetics (formerly Invitae), Labcorp
Classification: Uncertain significance for Bloom syndrome. Last evaluated: 2024-05-15. Review status: criteria provided, single submitter. Criteria: Invitae Variant Classification Sherloc (09022015). Collection method: clinical testing. Allele origin: germline.
Comment: This sequence change replaces lysine, which is basic and polar, with asparagine, which is neutral and polar, at codon 116 of the BLM protein (p.Lys116Asn). This variant is not present in population databases (gnomAD no frequency). This variant has not been reported in the literature in individuals affected with BLM-related conditions. ClinVar contains an entry for this variant (Variation ID: 1008657). An algorithm developed to predict the effect of missense changes on protein structure and function (PolyPhen-2) suggests that this variant is likely to be tolerated. In summary, the available evidence is currently insufficient to determine the role of this variant in disease. Therefore, it has been classified as a Variant of Uncertain Significance.

St. Jude Molecular Pathology, St. Jude Children's Research Hospital
Classification: Uncertain significance for Bloom syndrome. Last evaluated: 2021-04-15. Review status: criteria provided, single submitter. Criteria: St. Jude Assertion Criteria 2020. Collection method: clinical testing. Allele origin: germline.
Comment: The BLM c.348G>C (p.Lys116Asn) missense change has a maximum subpopulation frequency of 0.00090% in gnomAD v2.1.1 (PM2_Supporting). Five of seven in silico tools predict a benign effect of this variant on protein function (BP4), but these predictions have not been confirmed by functional studies. To our knowledge, this variant has not been reported in individuals with Bloom syndrome. In summary, this variant meets criteria to be classified as of uncertain significance based on the ACMG/AMP criteria: PM2_Supporting, BP4.

Natera, Inc.
Classification: Uncertain significance for Bloom syndrome. Last evaluated: 2021-08-09. Review status: no assertion criteria provided. Collection method: clinical testing. Allele origin: germline. Not counted in ClinVar's aggregate classification.